The following is an entry in ClinVar:

ClinVar aggregate classification (germline): Uncertain significance (1 of 4 stars; one submission).

Conditions:
Inborn genetic diseases. Identifiers: MedGen C0950123, MeSH D030342.

Submission:

Ambry Genetics
Classification: Uncertain significance for Inborn genetic diseases. Last evaluated: 2023-05-23. Review status: criteria provided, single submitter. Criteria: Ambry Variant Classification Scheme 2023. Collection method: clinical testing. Allele origin: germline.
Comment: The p.F887L variant (also known as c.2661T>A), located in coding exon 20 of the LRRK2 gene, results from a T to A substitution at nucleotide position 2661. The phenylalanine at codon 887 is replaced by leucine, an amino acid with highly similar properties. This amino acid position is conserved. In addition, the in silico prediction for this alteration is inconclusive. Since supporting evidence is limited at this time, the clinical significance of this alteration remains unclear.

NM_198578.4(LRRK2):c.2661T>A (p.Phe887Leu)

Gene: LRRK2 (leucine rich repeat kinase 2; plus strand). Cytogenetic location: 12q12.
Variant type: single nucleotide variant.
Coding change: c.2661T>A on transcript NM_198578.4 (MANE Select); coding-DNA position 2661, T replaced by A.
Protein change: p.Phe887Leu; replaces phenylalanine 887 with leucine.
Molecular consequence: missense variant.
Genome position (GRCh38, 1-based): chr12:40,287,511, T>A. VCF-style: chr12-40287511-T-A. GRCh37 (hg19) VCF-style: chr12-40681313-T-A.
Other names: short protein forms F887L.
Identifiers: ClinVar variation 2567416 (VCV002567416.2), dbSNP rs2499680519, ClinGen allele CA384409159.